The following is an entry in ClinVar:

NM_003579.4(RAD54L):c.1216G>A (p.Val406Met)

Gene: RAD54L (RAD54 like; plus strand). Cytogenetic location: 1p34.1.
Variant type: single nucleotide variant.
Coding change: c.1216G>A on transcript NM_003579.4 (MANE Select); coding-DNA position 1216, G replaced by A.
Protein change: p.Val406Met; replaces valine 406 with methionine.
Molecular consequence: missense variant.
Genome position (GRCh38, 1-based): chr1:46,272,512, G>A. VCF-style: chr1-46272512-G-A. GRCh37 (hg19) VCF-style: chr1-46738184-G-A.
Other names: c.1216G>A, p.Val406Met (NM_001142548.2); c.676G>A, p.Val226Met (NM_001370766.1); short protein forms V226M, V406M.
Identifiers: ClinVar variation 1751730 (VCV001751730.3), dbSNP rs759810969, ClinGen allele CA21897060.

ClinVar aggregate classification (germline): Uncertain significance (1 of 4 stars; one submission).

Allele frequency attached by ClinVar (database versions not stated): gnomAD exomes 0.00001.
gnomAD v4.1: 7 of 1,612,844 alleles (0.00043%); highest among the groups gnomAD compares: Non-Finnish European, 0.00059%; no homozygotes.

Submission:

Ambry Genetics
Classification: Uncertain significance. Last evaluated: 2024-06-10. Review status: criteria provided, single submitter. Criteria: Ambry Variant Classification Scheme 2023. Collection method: clinical testing. Allele origin: germline.
Comment: The p.V406M variant (also known as c.1216G>A), located in coding exon 11 of the RAD54L gene, results from a G to A substitution at nucleotide position 1216. The valine at codon 406 is replaced by methionine, an amino acid with highly similar properties. This amino acid position is conserved. In addition, the in silico prediction for this alteration is inconclusive. Since supporting evidence is limited at this time, the clinical significance of this alteration remains unclear.